The following is an entry in ClinVar:

ClinVar aggregate classification (germline): Uncertain significance. Review status: criteria provided, multiple submitters, no conflicts (2 of 4 stars). 3 submissions from 3 submitters: Uncertain significance (2). 1 of the submissions does not count toward it. Last evaluated 2023-03-22.

Conditions:
INVS-related disorder. Also called: INVS-related condition.
Nephronophthisis. Also called: Juvenile Nephronophthisis. Identifiers: Orphanet 655, MedGen C0687120, MONDO:0019005, HP:0000090.

Allele frequency attached by ClinVar (database versions not stated): gnomAD exomes 0.00001 and 0.00002; ExAC 0.00002.
gnomAD v4.1: 19 of 1,608,212 alleles (0.0012%); highest among the groups gnomAD compares: South Asian, 0.021%; no homozygotes.

Submissions (3):

Genetic Services Laboratory, University of Chicago
Classification: Uncertain significance. Last evaluated: 2023-03-22. Review status: criteria provided, single submitter. Criteria: ACMG Guidelines, 2015. Collection method: clinical testing. Allele origin: germline. Affected: no.
Comment: DNA sequence analysis of the INVS gene demonstrated a sequence change, c.3103C>G, in exon 17 that results in an amino acid change, p.Gln1035Glu. This sequence change has been described in the gnomAD database with a frequency of 0.013% in the South Asian subpopulation (dbSNP rs776279048). The p.Gln1035Glu change affects a poorly conserved amino acid residue located in a domain of the INVS protein that is not known to be functional. The p.Gln1035Glu substitution appears to be benign using several in-silico pathogenicity prediction tools (SIFT, PolyPhen2, Align GVGD, REVEL). This sequence change does not appear to have been previously described in individuals with INVS-related disorders. Due to insufficient evidence and the lack of functional studies, the clinical significance of the p.Gln1035Glu change remains unknown at this time.

Labcorp Genetics (formerly Invitae), Labcorp
Classification: Uncertain significance for Nephronophthisis. Last evaluated: 2022-03-03. Review status: criteria provided, single submitter. Criteria: Invitae Variant Classification Sherloc (09022015). Collection method: clinical testing. Allele origin: germline.
Comment: This sequence change replaces glutamine, which is neutral and polar, with glutamic acid, which is acidic and polar, at codon 1035 of the INVS protein (p.Gln1035Glu). This variant is present in population databases (rs776279048, gnomAD 0.01%). This variant has not been reported in the literature in individuals affected with INVS-related conditions. Algorithms developed to predict the effect of missense changes on protein structure and function are either unavailable or do not agree on the potential impact of this missense change (SIFT: "Deleterious"; PolyPhen-2: "Benign"; Align-GVGD: "Class C0"). In summary, the available evidence is currently insufficient to determine the role of this variant in disease. Therefore, it has been classified as a Variant of Uncertain Significance.

PreventionGenetics, part of Exact Sciences
Classification: Uncertain significance for INVS-related condition. Last evaluated: 2024-08-09. Review status: no assertion criteria provided. Collection method: clinical testing. Allele origin: germline. Not counted in ClinVar's aggregate classification.
Comment: The INVS c.3103C>G variant is predicted to result in the amino acid substitution p.Gln1035Glu. To our knowledge, this variant has not been reported in the literature. This variant is reported in 0.013% of alleles in individuals of South Asian descent in gnomAD. At this time, the clinical significance of this variant is uncertain due to the absence of conclusive functional and genetic evidence.

NM_014425.5(INVS):c.3103C>G (p.Gln1035Glu)

Gene: INVS (inversin; plus strand). Cytogenetic location: 9q31.1.
Variant type: single nucleotide variant.
Coding change: c.3103C>G on transcript NM_014425.5 (MANE Select); coding-DNA position 3103, C replaced by G.
Protein change: p.Gln1035Glu; replaces glutamine 1035 with glutamic acid.
Molecular consequence: missense variant. On other transcripts: non-coding transcript variant (1).
Genome position (GRCh38, 1-based): chr9:100,300,579, C>G. VCF-style: chr9-100300579-C-G. GRCh37 (hg19) VCF-style: chr9-103062861-C-G.
Other names: c.3103C>G (NM_014425.4); c.2815C>G, p.Gln939Glu (NM_001318381.2); c.2125C>G, p.Gln709Glu (NM_001318382.2); short protein forms Q1035E, Q709E, Q939E.
Identifiers: ClinVar variation 1480202 (VCV001480202.8), dbSNP rs776279048, ClinGen allele CA5158822.